The following is an entry in ClinVar:

ClinVar aggregate classification (germline): Likely benign (1 of 4 stars; one submission).

Conditions:
CLDN1-related disorder. Also called: CLDN1-related condition.

gnomAD v4.1: 9 of 1,613,892 alleles (0.00056%); highest among the groups gnomAD compares: African/African-American, 0.011%; no homozygotes.

Submission:

PreventionGenetics, part of Exact Sciences
Classification: Likely benign for CLDN1-related condition. Last evaluated: 2026-07-20. Review status: criteria provided, single submitter. Criteria: ACMG Guidelines, 2015. Collection method: clinical testing. Allele origin: germline.
Comment: This variant is classified as likely benign based on ACMG/AMP sequence variant interpretation guidelines (Richards et al. 2015 PMID: 25741868, with internal and published modifications).

NM_021101.5(CLDN1):c.388+9G>T

Genes: CLDN1 (claudin 1; minus strand), CLDN16 (claudin 16; plus strand). Cytogenetic location: 3q28.
Variant type: single nucleotide variant.
Coding change: c.388+9G>T on transcript NM_021101.5 (MANE Select); 9 bases into the intron after coding-DNA position 388, G replaced by T.
Molecular consequence: intron variant.
Genome position (GRCh38, 1-based): chr3:190,312,863, C>A on the plus strand (G>T on the coding strand, the complement: CLDN1 is on the minus strand). VCF-style: chr3-190312863-C-A. GRCh37 (hg19) VCF-style: chr3-190030652-C-A.
Other names: c.-445-2030C>A (NM_001378492.1); c.-279+22272C>A (NM_001378493.1).
Identifiers: ClinVar variation 4989669 (VCV004989669.1).